The following is an entry in ClinVar:

NM_000038.6(APC):c.1703G>T (p.Ser568Ile)

Gene: APC (APC regulator of Wnt signaling pathway; plus strand). Cytogenetic location: 5q22.2.
Variant type: single nucleotide variant.
Coding change: c.1703G>T on transcript NM_000038.6 (MANE Select); coding-DNA position 1703, G replaced by T.
Protein change: p.Ser568Ile; replaces serine 568 with isoleucine.
Molecular consequence: missense variant.
Genome position (GRCh38, 1-based): chr5:112,828,932, G>T. VCF-style: chr5-112828932-G-T. GRCh37 (hg19) VCF-style: chr5-112164629-G-T.
Other names: c.1703G>T, p.Ser568Ile (NM_001127510.3, NM_001354895.2); c.1649G>T, p.Ser550Ile (NM_001127511.3); c.1757G>T, p.Ser586Ile (NM_001354896.2); c.1733G>T, p.Ser578Ile (NM_001354897.2); c.1628G>T, p.Ser543Ile (NM_001354898.2); c.1619G>T, p.Ser540Ile (NM_001354899.2); c.1580G>T, p.Ser527Ile (NM_001354900.2); c.1526G>T, p.Ser509Ile (NM_001354901.2); and 5 more; short protein forms S442I, S467I, S477I, S509I, S408I, S543I, S568I, S578I.
Identifiers: ClinVar variation 819844 (VCV000819844.7), dbSNP rs962373452, ClinGen allele CA16025030.

ClinVar aggregate classification (germline): Uncertain significance. Review status: criteria provided, multiple submitters, no conflicts (2 of 4 stars). 2 submissions from 2 submitters: Uncertain significance (2). Last evaluated 2020-07-02.

Conditions:
Colorectal cancer. Also called: Colorectal cancer, somatic; Malignant Colorectal Neoplasm. Identifiers: MedGen C0346629, MONDO:0005575, OMIM 114500.
Hereditary cancer-predisposing syndrome. Also called: Neoplastic Syndromes, Hereditary; Tumor predisposition; Hereditary Cancer Syndrome; Hereditary neoplastic syndrome. Identifiers: Orphanet 140162, MedGen C0027672, MeSH D009386, MONDO:0015356.

Submissions (2):

Ambry Genetics
Classification: Uncertain significance for Hereditary cancer-predisposing syndrome. Last evaluated: 2020-07-02. Review status: criteria provided, single submitter. Criteria: Ambry Variant Classification Scheme 2023. Collection method: clinical testing. Allele origin: germline.
Comment: The p.S568I variant (also known as c.1703G>T), located in coding exon 13 of the APC gene, results from a G to T substitution at nucleotide position 1703. The serine at codon 568 is replaced by isoleucine, an amino acid with dissimilar properties. This amino acid position is highly conserved in available vertebrate species. In addition, in silico predictors for this gene do not accurately predict pathogenicity. Since supporting evidence is limited at this time, the clinical significance of this alteration remains unclear.

Centre for Mendelian Genomics, University Medical Centre Ljubljana
Classification: Uncertain significance for Colorectal cancer. Last evaluated: 2018-11-17. Review status: criteria provided, single submitter. Criteria: ACMG Guidelines, 2015. Collection method: clinical testing. Allele origin: unknown. Affected: yes.
Comment: This variant was classified as: Uncertain significance. The available evidence favors the pathogenic nature of this variant, however the currently available data is insufficient to conclusively support its pathogenic nature. Thus this variant is classified as Uncertain significance - favor pathogenic. The following ACMG criteria were applied in classifying this variant: PM2,PP3.